The following is an entry in ClinVar:

NM_004260.4(RECQL4):c.224C>T (p.Pro75Leu)

Gene: RECQL4 (RecQ like helicase 4; minus strand). Cytogenetic location: 8q24.3.
Variant type: single nucleotide variant.
Coding change: c.224C>T on transcript NM_004260.4 (MANE Select); coding-DNA position 224, C replaced by T.
Protein change: p.Pro75Leu; replaces proline 75 with leucine.
Molecular consequence: missense variant.
Genome position (GRCh38, 1-based): chr8:144,517,180, G>A on the plus strand (C>T on the coding strand, the complement: RECQL4 is on the minus strand). VCF-style: chr8-144517180-G-A. GRCh37 (hg19) VCF-style: chr8-145742564-G-A.
Other names: short protein forms P75L.
Identifiers: ClinVar variation 582558 (VCV000582558.10), dbSNP rs943035311, ClinGen allele CA187690603.

ClinVar aggregate classification (germline): Uncertain significance. Review status: criteria provided, multiple submitters, no conflicts (2 of 4 stars). 2 submissions from 2 submitters: Uncertain significance (2). Last evaluated 2025-07-30.

Conditions:
Baller-Gerold syndrome (BGS). Also called: CRANIOSYNOSTOSIS WITH RADIAL DEFECTS. Identifiers: Orphanet 1225, MedGen C0265308, MONDO:0009039, OMIM 218600.
Inborn genetic diseases. Identifiers: MedGen C0950123, MeSH D030342.

Allele frequency attached by ClinVar (database versions not stated): gnomAD exomes below 0.00001; TOPMed below 0.00001.
gnomAD v4.1: 3 of 1,604,410 alleles (0.00019%); highest among the groups gnomAD compares: African/African-American, 0.0013%; no homozygotes.

Submissions (2):

Labcorp Genetics (formerly Invitae), Labcorp
Classification: Uncertain significance for Baller-Gerold syndrome. Last evaluated: 2025-07-30. Review status: criteria provided, single submitter. Criteria: Invitae Variant Classification Sherloc (09022015). Collection method: clinical testing. Allele origin: germline.
Comment: This sequence change replaces proline, which is neutral and non-polar, with leucine, which is neutral and non-polar, at codon 75 of the RECQL4 protein (p.Pro75Leu). This variant is not present in population databases (gnomAD no frequency). This variant has not been reported in the literature in individuals affected with RECQL4-related conditions. ClinVar contains an entry for this variant (Variation ID: 582558). Invitae Evidence Modeling of protein sequence and biophysical properties (such as structural, functional, and spatial information, amino acid conservation, physicochemical variation, residue mobility, and thermodynamic stability) indicates that this missense variant is not expected to disrupt RECQL4 protein function with a negative predictive value of 80%. In summary, the available evidence is currently insufficient to determine the role of this variant in disease. Therefore, it has been classified as a Variant of Uncertain Significance.

Ambry Genetics
Classification: Uncertain significance for Inborn genetic diseases. Last evaluated: 2025-04-09. Review status: criteria provided, single submitter. Criteria: Ambry Variant Classification Scheme 2023. Collection method: clinical testing. Allele origin: germline.